The following is an entry in ClinVar:

NM_198253.3(TERT):c.1946A>G (p.Lys649Arg)

Gene: TERT (telomerase reverse transcriptase; minus strand). Cytogenetic location: 5p15.33.
Variant type: single nucleotide variant.
Coding change: c.1946A>G on transcript NM_198253.3 (MANE Select); coding-DNA position 1946, A replaced by G.
Protein change: p.Lys649Arg; replaces lysine 649 with arginine.
Molecular consequence: missense variant. On other transcripts: non-coding transcript variant (2).
Genome position (GRCh38, 1-based): chr5:1,280,162, T>C on the plus strand (A>G on the coding strand, the complement: TERT is on the minus strand). VCF-style: chr5-1280162-T-C. GRCh37 (hg19) VCF-style: chr5-1280277-T-C.
Other names: c.1946A>G, p.Lys649Arg (NM_001193376.3); short protein forms K649R.
Identifiers: ClinVar variation 3455155 (VCV003455155.1).

ClinVar aggregate classification (germline): Uncertain significance (1 of 4 stars; one submission).

Conditions:
Dyskeratosis congenita. Identifiers: Orphanet 1775, MedGen C0265965, MONDO:0015780.

Submission:

Ambry Genetics
Classification: Uncertain significance for Dyskeratosis congenita. Last evaluated: 2024-06-30. Review status: criteria provided, single submitter. Criteria: Ambry Variant Classification Scheme 2023. Collection method: clinical testing. Allele origin: germline.
Comment: The p.K649R variant (also known as c.1946A>G), located in coding exon 4 of the TERT gene, results from an A to G substitution at nucleotide position 1946. The lysine at codon 649 is replaced by arginine, an amino acid with highly similar properties. This amino acid position is conserved. In addition, this alteration is predicted to be tolerated by in silico analysis. Based on the available evidence, the clinical significance of this variant remains unclear.